The following is an entry in ClinVar:

ClinVar aggregate classification (germline): Conflicting classifications of pathogenicity. Review status: criteria provided, conflicting classifications (1 of 4 stars). 9 submissions from 9 submitters: Uncertain significance (1); Benign (5); Likely benign (2). 1 of the submissions does not count toward it. Last evaluated 2026-02-04.

Conditions:
Inborn genetic diseases. Identifiers: MedGen C0950123, MeSH D030342.
Smith-Lemli-Opitz syndrome (SLOS). Also called: LETHAL ACRODYSGENITAL SYNDROME; POLYDACTYLY, SEX REVERSAL, RENAL HYPOPLASIA, AND UNILOBAR LUNG; RSH SYNDROME; RUTLEDGE LETHAL MULTIPLE CONGENITAL ANOMALY SYNDROME; 7-Dehydrocholesterol reductase deficiency. Identifiers: Orphanet 818, MedGen C0175694, MONDO:0010035, OMIM 270400.

Allele frequency attached by ClinVar (database versions not stated): gnomAD exomes 0.00053 and 0.00150; ExAC 0.00194; gnomAD 0.00569 and 0.00608; TOPMed 0.00635; ESP Exome Variant Server 0.00709; 1000 Genomes Project 0.00719; 1000 Genomes Project 30x 0.00812.
gnomAD v4.1: 1,660 of 1,613,096 alleles (0.1%); highest among the groups gnomAD compares: African/African-American, 1.9%; 13 homozygotes.

Submissions (9):

Labcorp Genetics (formerly Invitae), Labcorp
Classification: Benign for Smith-Lemli-Opitz syndrome. Last evaluated: 2026-02-04. Review status: criteria provided, single submitter. Criteria: Invitae Variant Classification Sherloc (09022015). Collection method: clinical testing. Allele origin: germline.

Mayo Clinic Laboratories, Mayo Clinic
Classification: Likely benign. Last evaluated: 2025-06-20. Review status: criteria provided, single submitter. Criteria: ACMG Guidelines, 2015. Collection method: clinical testing. Allele origin: germline. Observed: 4 variant alleles.
Comment: BS1, BP4, BP7

Genetic Services Laboratory, University of Chicago
Classification: Benign. Last evaluated: 2021-07-26. Review status: criteria provided, single submitter. Criteria: ACMG Guidelines, 2015. Collection method: clinical testing. Allele origin: germline. Affected: no.

Illumina Laboratory Services, Illumina
Classification: Uncertain significance for Smith-Lemli-Opitz syndrome. Last evaluated: 2018-01-13. Review status: criteria provided, single submitter. Criteria: ICSL Variant Classification Criteria 13 December 2019. Collection method: clinical testing. Allele origin: germline.

Ambry Genetics
Classification: Likely benign for Inborn genetic diseases. Last evaluated: 2016-07-01. Review status: criteria provided, single submitter. Criteria: Ambry Variant Classification Scheme 2023. Collection method: clinical testing. Allele origin: germline.

GeneDx
Classification: Benign. Last evaluated: 2015-03-03. Review status: criteria provided, single submitter. Criteria: GeneDx Variant Classification Process June 2021. Collection method: clinical testing. Allele origin: germline. Affected: yes.

Eurofins Ntd Llc (ga)
Classification: Benign. Last evaluated: 2014-02-07. Review status: criteria provided, single submitter. Criteria: EGL Classification Definitions 2015. Collection method: clinical testing. Allele origin: germline. Observed: 1 variant allele, 1 heterozygote.

PreventionGenetics, part of Exact Sciences
Classification: Benign. Review status: criteria provided, single submitter. Criteria: ACMG Guidelines, 2015. Collection method: clinical testing. Allele origin: germline.

Natera, Inc.
Classification: Benign for Smith-Lemli-Opitz syndrome. Last evaluated: 2017-05-05. Review status: no assertion criteria provided. Collection method: clinical testing. Allele origin: germline. Not counted in ClinVar's aggregate classification.

NM_001360.3(DHCR7):c.1092G>A (p.Thr364=)

Gene: DHCR7 (7-dehydrocholesterol reductase; minus strand). Cytogenetic location: 11q13.4.
Variant type: single nucleotide variant.
Coding change: c.1092G>A on transcript NM_001360.3 (MANE Select); coding-DNA position 1092, G replaced by A.
Protein change: p.Thr364=; no amino-acid change (threonine 364 retained).
Molecular consequence: synonymous variant.
Genome position (GRCh38, 1-based): chr11:71,435,711, C>T on the plus strand (G>A on the coding strand, the complement: DHCR7 is on the minus strand). VCF-style: chr11-71435711-C-T. GRCh37 (hg19) VCF-style: chr11-71146757-C-T.
Other names: p.Thr364=; c.1092G>A, p.Thr364= (NM_001163817.2).
Identifiers: ClinVar variation 166985 (VCV000166985.33), dbSNP rs35946774, ClinGen allele CA179963.
Genomic context (GRCh38, chr11:71,435,711, plus strand): 5'-GGATGTGTAGGAGCACTCGATGACCTTGGGCTTCCTGCCCCAGATGAGGCAGCGCCCATC[C>T]GTGCGGCGGAACAGGTCCTTCTGGTGGTTGGCCACCCGGAAGATGTAGTAGCCCACCAGG-3'
Protein context (NP_001351.2, residues 354-374): ANHQKDLFRR[Thr364=]DGRCLIWGRK